The following is an entry in ClinVar:

ClinVar aggregate classification (germline): Uncertain significance (1 of 4 stars; one submission).

Allele frequency attached by ClinVar (database versions not stated): gnomAD exomes 0.00001; gnomAD 0.00002; TOPMed 0.00002.
gnomAD v4.1: 11 of 1,614,100 alleles (0.00068%); highest among the groups gnomAD compares: Non-Finnish European, 0.00093%; no homozygotes.

Submission:

Mayo Clinic Laboratories, Mayo Clinic
Classification: Uncertain significance. Last evaluated: 2022-05-04. Review status: criteria provided, single submitter. Criteria: ACMG Guidelines, 2015. Collection method: clinical testing. Allele origin: germline. Observed: 1 variant allele.
Comment: BP4, PM2

NM_001982.4(ERBB3):c.3466G>A (p.Val1156Ile)

Gene: ERBB3 (erb-b2 receptor tyrosine kinase 3; plus strand). Cytogenetic location: 12q13.2.
Variant type: single nucleotide variant.
Coding change: c.3466G>A on transcript NM_001982.4 (MANE Select); coding-DNA position 3466, G replaced by A.
Protein change: p.Val1156Ile; replaces valine 1156 with isoleucine.
Molecular consequence: missense variant.
Genome position (GRCh38, 1-based): chr12:56,101,325, G>A. VCF-style: chr12-56101325-G-A. GRCh37 (hg19) VCF-style: chr12-56495109-G-A.
Other names: p.Val1156Ile; short protein forms V1156I.
Identifiers: ClinVar variation 2683205 (VCV002683205.1), dbSNP rs1345775291, ClinGen allele CA385324405.
Genomic context (GRCh38, chr12:56,101,325, plus strand): 5'-CGCCACAGTCTGCTGACTCCTGTTACCCCACTCTCCCCACCCGGGTTAGAGGAAGAGGAT[G>A]TCAACGGTTATGTCATGCCAGATACACACCTCAAAGGTGCCTGACTCTTCCTAGGGCTTT-3'
Protein context (NP_001973.2, residues 1146-1166): LSPPGLEEED[Val1156Ile]NGYVMPDTHL